The following is an entry in ClinVar:

ClinVar aggregate classification (germline): Uncertain significance (1 of 4 stars; one submission).

Conditions:
Fanconi anemia (FA). Also called: Fanconi's anemia. Identifiers: Orphanet 84, MedGen C0015625, MeSH D005199, MONDO:0019391.

Allele frequency attached by ClinVar (database versions not stated): gnomAD exomes below 0.00001; TOPMed below 0.00001; ExAC 0.00001.
gnomAD v4.1: 1 of 1,614,132 alleles (0.000062%); highest among the groups gnomAD compares: Non-Finnish European, 0.000085%; no homozygotes.

Submission:

Labcorp Genetics (formerly Invitae), Labcorp
Classification: Uncertain significance for Fanconi anemia. Last evaluated: 2021-07-12. Review status: criteria provided, single submitter. Criteria: Invitae Variant Classification Sherloc (09022015). Collection method: clinical testing. Allele origin: germline.
Comment: This sequence change replaces proline with serine at codon 101 of the FANCI protein (p.Pro101Ser). The proline residue is highly conserved and there is a moderate physicochemical difference between proline and serine. This variant is present in population databases (rs770185523, ExAC 0.001%). This variant has not been reported in the literature in individuals with FANCI-related conditions. Algorithms developed to predict the effect of missense changes on protein structure and function are either unavailable or do not agree on the potential impact of this missense change (SIFT: "Deleterious"; PolyPhen-2: "Benign"; Align-GVGD: "Class C0"). In summary, the available evidence is currently insufficient to determine the role of this variant in disease. Therefore, it has been classified as a Variant of Uncertain Significance.

NM_001113378.2(FANCI):c.301C>T (p.Pro101Ser)

Gene: FANCI (FA complementation group I; plus strand). Cytogenetic location: 15q26.1.
Variant type: single nucleotide variant.
Coding change: c.301C>T on transcript NM_001113378.2 (MANE Select); coding-DNA position 301, C replaced by T.
Protein change: p.Pro101Ser; replaces proline 101 with serine.
Molecular consequence: missense variant.
Genome position (GRCh38, 1-based): chr15:89,261,597, C>T. VCF-style: chr15-89261597-C-T. GRCh37 (hg19) VCF-style: chr15-89804828-C-T.
Other names: c.22C>T, p.Pro8Ser (NM_001376910.1); c.301C>T, p.Pro101Ser (NM_001376911.1, NM_018193.3); short protein forms P8S, P101S.
Identifiers: ClinVar variation 1477981 (VCV001477981.8), dbSNP rs770185523, ClinGen allele CA7722581.